The following is an entry in ClinVar:

NM_004656.4(BAP1):c.692T>G (p.Met231Arg)

Gene: BAP1 (BRCA1 associated deubiquitinase 1; minus strand). Cytogenetic location: 3p21.1.
Variant type: single nucleotide variant.
Coding change: c.692T>G on transcript NM_004656.4 (MANE Select); coding-DNA position 692, T replaced by G.
Protein change: p.Met231Arg; replaces methionine 231 with arginine.
Molecular consequence: missense variant.
Genome position (GRCh38, 1-based): chr3:52,406,344, A>C on the plus strand (T>G on the coding strand, the complement: BAP1 is on the minus strand). VCF-style: chr3-52406344-A-C. GRCh37 (hg19) VCF-style: chr3-52440360-A-C.
Other names: short protein forms M231R.
Identifiers: ClinVar variation 1396863 (VCV001396863.6), dbSNP rs2153227481, ClinGen allele CA353107440.

ClinVar aggregate classification (germline): Uncertain significance (1 of 4 stars; one submission).

Conditions:
BAP1-related tumor predisposition syndrome (TPDS1). Also called: COMMON Syndrome; TUMOR PREDISPOSITION SYNDROME 1; Tumor susceptibility linked to germline BAP1 mutations; BAP1 tumor predisposition syndrome. Identifiers: Orphanet 289539, MedGen C3280492, MONDO:0013692, OMIM 614327.

Submission:

Labcorp Genetics (formerly Invitae), Labcorp
Classification: Uncertain significance for BAP1-related tumor predisposition syndrome. Last evaluated: 2021-12-12. Review status: criteria provided, single submitter. Criteria: Invitae Variant Classification Sherloc (09022015). Collection method: clinical testing. Allele origin: germline.
Comment: In summary, the available evidence is currently insufficient to determine the role of this variant in disease. Therefore, it has been classified as a Variant of Uncertain Significance. Algorithms developed to predict the effect of missense changes on protein structure and function (SIFT, PolyPhen-2, Align-GVGD) all suggest that this variant is likely to be disruptive. This variant has not been reported in the literature in individuals affected with BAP1-related conditions. This variant is not present in population databases (gnomAD no frequency). This sequence change replaces methionine, which is neutral and non-polar, with arginine, which is basic and polar, at codon 231 of the BAP1 protein (p.Met231Arg).